The following is an entry in ClinVar:

NM_001378120.1(MBD5):c.1294A>G (p.Thr432Ala)

Gene: MBD5 (methyl-CpG binding domain protein 5; plus strand). Cytogenetic location: 2q23.1.
Variant type: single nucleotide variant.
Coding change: c.1294A>G on transcript NM_001378120.1 (MANE Select); coding-DNA position 1294, A replaced by G.
Protein change: p.Thr432Ala; replaces threonine 432 with alanine.
Molecular consequence: missense variant.
Genome position (GRCh38, 1-based): chr2:148,469,237, A>G. VCF-style: chr2-148469237-A-G. GRCh37 (hg19) VCF-style: chr2-149226806-A-G.
Other names: c.1294A>G, p.Thr432Ala (NM_018328.5); short protein forms T432A.
Identifiers: ClinVar variation 2802645 (VCV002802645.3), dbSNP rs1189553845, ClinGen allele CA348719394.

ClinVar aggregate classification (germline): Uncertain significance (1 of 4 stars; one submission).

Conditions:
Intellectual developmental disorder, autosomal dominant 1. Also called: MBD5 Haploinsufficiency; Intellectual disability, autosomal dominant 1. Identifiers: Orphanet 228402, MedGen C1969562, MONDO:0007974, OMIM 156200.

Allele frequency attached by ClinVar (database versions not stated): gnomAD exomes below 0.00001; gnomAD 0.00001.
gnomAD v4.1: 6 of 1,613,746 alleles (0.00037%); highest among the groups gnomAD compares: East Asian, 0.0022%; no homozygotes.

Submission:

Labcorp Genetics (formerly Invitae), Labcorp
Classification: Uncertain significance for Intellectual developmental disorder, autosomal dominant 1. Last evaluated: 2024-01-30. Review status: criteria provided, single submitter. Criteria: Invitae Variant Classification Sherloc (09022015). Collection method: clinical testing. Allele origin: germline.
Comment: This sequence change replaces threonine, which is neutral and polar, with alanine, which is neutral and non-polar, at codon 432 of the MBD5 protein (p.Thr432Ala). This variant is present in population databases (no rsID available, gnomAD 0.06%). This variant has not been reported in the literature in individuals affected with MBD5-related conditions. Advanced modeling of protein sequence and biophysical properties (such as structural, functional, and spatial information, amino acid conservation, physicochemical variation, residue mobility, and thermodynamic stability) performed at Invitae indicates that this missense variant is not expected to disrupt MBD5 protein function with a negative predictive value of 80%. In summary, the available evidence is currently insufficient to determine the role of this variant in disease. Therefore, it has been classified as a Variant of Uncertain Significance.